The following is an entry in ClinVar:

NM_001374828.1(ARID1B):c.4727del (p.Gln1576fs)

Gene: ARID1B (AT-rich interaction domain 1B; plus strand). Cytogenetic location: 6q25.3.
Variant type: Deletion.
Coding change: c.4727del on transcript NM_001374828.1 (MANE Select); coding-DNA position 4727, one base deleted (A; older notation c.4727delA).
Protein change: p.Gln1576fs; shifts the reading frame from glutamine 1576.
Molecular consequence: frameshift variant.
Genome position (GRCh38, 1-based): chr6:157,200,952, A deleted. VCF-style (leftmost placement, unchanged base first): chr6-157200951-CA-C. GRCh37 (hg19) VCF-style: chr6-157522085-CA-C.
Other names: c.4568del, p.Gln1523fs (NM_017519.3); c.2228del, p.Gln743fs (NM_001363725.2); c.4607del, p.Gln1536fs (NM_001371656.1, NM_001374820.1); short protein forms Q1523fs, Q1536fs, Q1576fs, Q743fs.
Identifiers: ClinVar variation 3901079 (VCV003901079.1).

ClinVar aggregate classification (germline): Likely pathogenic (1 of 4 stars; one submission).

Conditions:
Coffin-Siris syndrome 1 (CSS1). Also called: Mental retardation, autosomal dominant 12; ARID1B-Related Coffin-Siris Syndrome. Identifiers: Orphanet 1465, MedGen C3281201, MONDO:0007617, OMIM 135900. Disease mechanism: gain of function.

Submission:

Laboratorio de Genetica e Diagnostico Molecular, Hospital Israelita Albert Einstein
Classification: Likely pathogenic for Coffin-Siris syndrome 1. Last evaluated: 2023-10-27. Review status: criteria provided, single submitter. Criteria: ACMG Guidelines, 2015. Collection method: clinical testing. Allele origin: germline. Affected: yes.
Comment: ACMG classification criteria: PVS1 very strong, PM2 moderate